The following is an entry in ClinVar:

ClinVar aggregate classification (germline): Conflicting classifications of pathogenicity. Review status: criteria provided, conflicting classifications (1 of 4 stars). 3 submissions from 3 submitters: Uncertain significance (2); Likely benign (1). Last evaluated 2023-03-23.

Conditions:
Hereditary breast ovarian cancer syndrome. Also called: Hereditary breast and ovarian cancer syndrome (HBOC); Hereditary breast and ovarian cancer; BRCA1- and BRCA2-Associated Hereditary Breast and Ovarian Cancer; Hereditary breast and ovarian cancer syndrome; Breast and ovarian cancer; Hereditary breast and/or ovarian cancer syndrome. Identifiers: Orphanet 145, MedGen C0677776, MeSH D061325, MONDO:0003582. Disease mechanism: loss of function.
Hereditary cancer-predisposing syndrome. Also called: Neoplastic Syndromes, Hereditary; Tumor predisposition; Hereditary Cancer Syndrome; Hereditary neoplastic syndrome. Identifiers: Orphanet 140162, MedGen C0027672, MeSH D009386, MONDO:0015356.

Allele frequency attached by ClinVar (database versions not stated): gnomAD exomes below 0.00001.
gnomAD v4.1: 2 of 1,613,780 alleles (0.00012%); highest among the groups gnomAD compares: Admixed American, 0.0017%; no homozygotes.

Submissions (3):

University of Washington Department of Laboratory Medicine, University of Washington
Classification: Likely benign for Hereditary cancer-predisposing syndrome. Last evaluated: 2023-03-23. Review status: criteria provided, single submitter. Criteria: Dines et al. (Genet Med. 2020). Collection method: curation. Allele origin: germline.
Comment: Missense variant in a coldspot region where missense variants are very unlikely to be pathogenic (PMID:31911673).

BRCA2 exon 11 coldspot. Reclassification based on statistical prior probability.

Labcorp Genetics (formerly Invitae), Labcorp
Classification: Uncertain significance for Hereditary breast ovarian cancer syndrome. Last evaluated: 2022-01-18. Review status: criteria provided, single submitter. Criteria: Invitae Variant Classification Sherloc (09022015). Collection method: clinical testing. Allele origin: germline.
Comment: This sequence change replaces threonine, which is neutral and polar, with alanine, which is neutral and non-polar, at codon 2225 of the BRCA2 protein (p.Thr2225Ala). This variant is not present in population databases (gnomAD no frequency). This variant has not been reported in the literature in individuals affected with BRCA2-related conditions. Advanced modeling of protein sequence and biophysical properties (such as structural, functional, and spatial information, amino acid conservation, physicochemical variation, residue mobility, and thermodynamic stability) performed at Invitae indicates that this missense variant is not expected to disrupt BRCA2 protein function. In summary, the available evidence is currently insufficient to determine the role of this variant in disease. Therefore, it has been classified as a Variant of Uncertain Significance.

Ambry Genetics
Classification: Uncertain significance for Hereditary cancer-predisposing syndrome. Last evaluated: 2020-01-03. Review status: criteria provided, single submitter. Criteria: Ambry Variant Classification Scheme 2023. Collection method: clinical testing. Allele origin: germline.
Comment: The p.T2225A variant (also known as c.6673A>G), located in coding exon 10 of the BRCA2 gene, results from an A to G substitution at nucleotide position 6673. The threonine at codon 2225 is replaced by alanine, an amino acid with similar properties. This amino acid position is not well conserved in available vertebrate species. In addition, the in silico prediction for this alteration is inconclusive. Since supporting evidence is limited at this time, the clinical significance of this alteration remains unclear.

NM_000059.4(BRCA2):c.6673A>G (p.Thr2225Ala)

Gene: BRCA2 (BRCA2 DNA repair associated; plus strand). Cytogenetic location: 13q13.1.
Variant type: single nucleotide variant.
Coding change: c.6673A>G on transcript NM_000059.4 (MANE Select); coding-DNA position 6673, A replaced by G.
Protein change: p.Thr2225Ala; replaces threonine 2225 with alanine.
Molecular consequence: missense variant.
Genome position (GRCh38, 1-based): chr13:32,341,028, A>G. VCF-style: chr13-32341028-A-G. GRCh37 (hg19) VCF-style: chr13-32915165-A-G.
Other names: c.6673A>G, p.Thr2225Ala (NM_001406719.1, NM_001406720.1); short protein forms T2225A.
Identifiers: ClinVar variation 1754811 (VCV001754811.12), dbSNP rs2137529657, ClinGen allele CA387790533.